The following is an entry in ClinVar:

ClinVar aggregate classification (germline): Pathogenic/Likely pathogenic. Review status: criteria provided, multiple submitters, no conflicts (2 of 4 stars). 3 submissions from 3 submitters: Pathogenic (2); Likely pathogenic (1). Last evaluated 2026-03-31.

Conditions:
Marfan syndrome (MFS). Also called: Marfan syndrome type 1; Marfan's syndrome; MARFAN SYNDROME, TYPE I; FBN1-Related Marfan Syndrome; Marfan syndrome, classic. Identifiers: Orphanet 284963, Orphanet 558, MedGen C0024796, MONDO:0007947, OMIM 154700.
Familial thoracic aortic aneurysm and aortic dissection (TAAD). Also called: Thoracic aortic aneurysms and dissections. Identifiers: Orphanet 91387, MedGen C4707243, MONDO:0019625.

Submissions (3):

GeneDx
Classification: Pathogenic. Last evaluated: 2026-03-31. Review status: criteria provided, single submitter. Criteria: GeneDx Variant Classification Process June 2021. Collection method: clinical testing. Allele origin: germline.
Comment: Affects a cysteine residue within an EGF-like domain of the FBN1 gene, which may affect disulfide bonding and is predicted to alter the structure and function of the protein; cysteine substitutions in the EGF-like domains represent the majority of pathogenic missense changes associated with FBN1-related disorders (PMID: 12938084); Not observed at significant frequency in large population cohorts (gnomAD); In silico analysis supports that this missense variant has a deleterious effect on protein structure/function; Identified in a cohort of patients with aortic disease or Marfan syndrome in published literature (PMID: 27611364); This variant is associated with the following publications: (PMID: 12938084, 27906200, 27611364)

Labcorp Genetics (formerly Invitae), Labcorp
Classification: Pathogenic for Marfan syndrome; Familial thoracic aortic aneurysm and aortic dissection. Last evaluated: 2025-05-07. Review status: criteria provided, single submitter. Criteria: Invitae Variant Classification Sherloc (09022015). Collection method: clinical testing. Allele origin: germline.
Comment: This sequence change replaces cysteine, which is neutral and slightly polar, with tyrosine, which is neutral and polar, at codon 2024 of the FBN1 protein (p.Cys2024Tyr). This variant is not present in population databases (gnomAD no frequency). This missense change has been observed in individuals with clinical features of Marfan syndrome (PMID: 27611364, 27906200; internal data). ClinVar contains an entry for this variant (Variation ID: 811957). Invitae Evidence Modeling of protein sequence and biophysical properties (such as structural, functional, and spatial information, amino acid conservation, physicochemical variation, residue mobility, and thermodynamic stability) indicates that this missense variant is expected to disrupt FBN1 protein function with a positive predictive value of 95%. This variant affects a cysteine residue in the EGF-like, TGFBP or hybrid motif domains of FBN1. Cysteine residues are believed to be involved in intramolecular disulfide bridges and have been shown to be important for FBN1 protein structure (PMID: 16905551, 19349279). In addition, missense substitutions affecting cysteine residues within these domains are significantly overrepresented among patients with Marfan syndrome (PMID: 16571647, 17701892). For these reasons, this variant has been classified as Pathogenic.

ARUP Laboratories, Molecular Genetics and Genomics, ARUP Laboratories
Classification: Likely pathogenic. Last evaluated: 2019-03-25. Review status: criteria provided, single submitter. Criteria: ARUP Molecular Germline Variant Investigation Process. Collection method: clinical testing. Allele origin: germline.
Comment: The FBN1 c.6071G>A; p.Cys2024Tyr variant is reported in one individual in the UMD-FBN1 mutations database (see link). This variant is absent from general population databases (Exome Variant Server, Genome Aggregation Database), indicating it is not a common polymorphism. This variant occurs in a cysteine residue in one of the calcium binding EGF-like domains of fibrillin-1 (Wu 1995). Each EGF-like domain contains six highly-conserved cysteines and the disulfide bridges formed between these residues are essential for protein folding; loss of one of these cysteines may interfere with proper disulfide bridge formation, disrupting protein structure. Accordingly, the revised Ghent nosology for Marfan syndrome lists missense variants of cysteine residues as one of the criteria for classification of a variant as pathogenic (Loeys 2010). Therefore, based on available information, this variant is considered to be likely pathogenic. REFERENCES Link to UMD-FBN1 database: Loeys et al. The revised Ghent nosology for the Marfan syndrome. J. Med. Genet. 2010 47(7): 476-85. Wu et al. Fibrillin domain folding and calcium binding: significance to Marfan syndrome. Chem. Biol. 1995 2(2):91-7.

Literature cited by the submitters: PubMed 27611364 (cited by Labcorp Genetics (formerly Invitae), Labcorp); PubMed 27906200 (cited by Labcorp Genetics (formerly Invitae), Labcorp); PubMed 16905551 (cited by Labcorp Genetics (formerly Invitae), Labcorp); PubMed 19349279 (cited by Labcorp Genetics (formerly Invitae), Labcorp); PubMed 16571647 (cited by Labcorp Genetics (formerly Invitae), Labcorp); PubMed 17701892 (cited by Labcorp Genetics (formerly Invitae), Labcorp).

NM_000138.5(FBN1):c.6071G>A (p.Cys2024Tyr)

Gene: FBN1 (fibrillin 1; minus strand). Cytogenetic location: 15q21.1.
Variant type: single nucleotide variant.
Coding change: c.6071G>A on transcript NM_000138.5 (MANE Select); coding-DNA position 6071, G replaced by A.
Protein change: p.Cys2024Tyr; replaces cysteine 2024 with tyrosine.
Molecular consequence: missense variant.
Genome position (GRCh38, 1-based): chr15:48,441,813, C>T on the plus strand (G>A on the coding strand, the complement: FBN1 is on the minus strand). VCF-style: chr15-48441813-C-T. GRCh37 (hg19) VCF-style: chr15-48734010-C-T.
Other names: c.6071G>A (NM_000138.4); short protein forms C2024Y.
Identifiers: ClinVar variation 811957 (VCV000811957.17), dbSNP rs1597529826, ClinGen allele CA392338469.